The following is an entry in ClinVar:

ClinVar aggregate classification (germline): Uncertain significance (1 of 4 stars; one submission).

gnomAD v4.1: 11 of 1,614,046 alleles (0.00068%); highest among the groups gnomAD compares: Admixed American, 0.0017%; no homozygotes.

Submission:

GeneDx
Classification: Uncertain significance. Last evaluated: 2024-08-13. Review status: criteria provided, single submitter. Criteria: GeneDx Variant Classification Process June 2021. Collection method: clinical testing. Allele origin: germline. Affected: yes.
Comment: Not observed at significant frequency in large population cohorts (gnomAD); In silico analysis supports that this missense variant has a deleterious effect on protein structure/function; Has not been previously published as pathogenic or benign to our knowledge

NM_001374353.1(GLI2):c.1367G>T (p.Arg456Leu)

Gene: GLI2 (GLI family zinc finger 2; plus strand). Cytogenetic location: 2q14.2.
Variant type: single nucleotide variant.
Coding change: c.1367G>T on transcript NM_001374353.1 (MANE Select); coding-DNA position 1367, G replaced by T.
Protein change: p.Arg456Leu; replaces arginine 456 with leucine.
Molecular consequence: missense variant.
Genome position (GRCh38, 1-based): chr2:120,978,483, G>T. VCF-style: chr2-120978483-G-T. GRCh37 (hg19) VCF-style: chr2-121736059-G-T.
Other names: c.1418G>T, p.Arg473Leu (NM_001371271.1, NM_005270.5); c.992G>T, p.Arg331Leu (NM_001374354.1); short protein forms R456L, R473L, R331L.
Identifiers: ClinVar variation 3731184 (VCV003731184.1).
Genomic context (GRCh38, chr2:120,978,483, plus strand): 5'-CCCTCCGGCAGCACATCAACAACGAGCACATCCACGGGGAGAAGAAGGAGTTTGTGTGCC[G>T]CTGGCAGGCCTGCACGCGGGAGCAGAAGCCCTTCAAGGCGCAGTACATGCTGGTGGTGCA-3'
Protein context (NP_001361282.1, residues 446-466): IHGEKKEFVC[Arg456Leu]WQACTREQKP